The following is an entry in ClinVar:

NM_000171.4(GLRA1):c.1174A>T (p.Asn392Tyr)

Gene: GLRA1 (glycine receptor alpha 1; minus strand). Cytogenetic location: 5q33.1.
Variant type: single nucleotide variant.
Coding change: c.1174A>T on transcript NM_000171.4 (MANE Select); coding-DNA position 1174, A replaced by T.
Protein change: p.Asn392Tyr; replaces asparagine 392 with tyrosine.
Molecular consequence: missense variant.
Genome position (GRCh38, 1-based): chr5:151,822,849, T>A on the plus strand (A>T on the coding strand, the complement: GLRA1 is on the minus strand). VCF-style: chr5-151822849-T-A. GRCh37 (hg19) VCF-style: chr5-151202410-T-A.
Other names: c.1198A>T, p.Asn400Tyr (NM_001146040.2); c.925A>T, p.Asn309Tyr (NM_001292000.2); short protein forms N309Y, N392Y, N400Y.
Identifiers: ClinVar variation 1008357 (VCV001008357.10), dbSNP rs775599403, ClinGen allele CA361850077.

ClinVar aggregate classification (germline): Uncertain significance. Review status: criteria provided, multiple submitters, no conflicts (2 of 4 stars). 2 submissions from 2 submitters: Uncertain significance (2). Last evaluated 2022-05-11.

Conditions:
Hereditary hyperekplexia. Identifiers: Orphanet 3197, MedGen C4084968, MONDO:0021022.

Submissions (2):

GeneDx
Classification: Uncertain significance. Last evaluated: 2022-05-11. Review status: criteria provided, single submitter. Criteria: GeneDx Variant Classification Process June 2021. Collection method: clinical testing. Allele origin: germline. Affected: yes.
Comment: Not observed at significant frequency in large population cohorts (gnomAD); In silico analysis supports that this missense variant does not alter protein structure/function; Has not been previously published as pathogenic or benign to our knowledge

Labcorp Genetics (formerly Invitae), Labcorp
Classification: Uncertain significance for Hereditary hyperekplexia. Last evaluated: 2020-05-20. Review status: criteria provided, single submitter. Criteria: Invitae Variant Classification Sherloc (09022015). Collection method: clinical testing. Allele origin: germline.
Comment: In summary, the available evidence is currently insufficient to determine the role of this variant in disease. Therefore, it has been classified as a Variant of Uncertain Significance. Algorithms developed to predict the effect of missense changes on protein structure and function (SIFT, PolyPhen-2, Align-GVGD) all suggest that this variant is likely to be tolerated, but these predictions have not been confirmed by published functional studies and their clinical significance is uncertain. This sequence change replaces asparagine with tyrosine at codon 392 of the GLRA1 protein (p.Asn392Tyr). The asparagine residue is moderately conserved and there is a large physicochemical difference between asparagine and tyrosine. This variant is not present in population databases (ExAC no frequency). This variant has not been reported in the literature in individuals with GLRA1-related conditions.